The following is an entry in ClinVar:

NM_001323289.2(CDKL5):c.351T>G (p.Tyr117Ter)

Gene: CDKL5 (cyclin dependent kinase like 5; plus strand). Cytogenetic location: Xp22.13.
Variant type: single nucleotide variant.
Coding change: c.351T>G on transcript NM_001323289.2 (MANE Select); coding-DNA position 351, T replaced by G.
Protein change: p.Tyr117Ter; replaces tyrosine 117 with a stop codon.
Molecular consequence: nonsense.
Genome position (GRCh38, 1-based): chrX:18,579,916, T>G. VCF-style: chrX-18579916-T-G. GRCh37 (hg19) VCF-style: chrX-18598036-T-G.
Other names: c.351T>G, p.Tyr117Ter (NM_001037343.2, NM_003159.3); short protein forms Y117*.
Identifiers: ClinVar variation 3753504 (VCV003753504.2).

ClinVar aggregate classification (germline): Pathogenic (1 of 4 stars; one submission).

Conditions:
Developmental and epileptic encephalopathy, 2 (DEE2). Also called: CDKL5 deficiency disorder; INFANTILE SPASM SYNDROME, X-LINKED 2. Identifiers: Orphanet 1934, Orphanet 3451, Orphanet 505652, MedGen C4750718, MONDO:0010396, OMIM 300672.
Angelman syndrome-like. Identifiers: MedGen CN128785.

Submission:

Labcorp Genetics (formerly Invitae), Labcorp
Classification: Pathogenic for Developmental and epileptic encephalopathy, 2; Angelman syndrome-like. Last evaluated: 2024-04-10. Review status: criteria provided, single submitter. Criteria: Invitae Variant Classification Sherloc (09022015). Collection method: clinical testing. Allele origin: germline.
Comment: This sequence change creates a premature translational stop signal (p.Tyr117*) in the CDKL5 gene. It is expected to result in an absent or disrupted protein product. Loss-of-function variants in CDKL5 are known to be pathogenic (PMID: 22872100). This variant is not present in population databases (gnomAD no frequency). This premature translational stop signal has been observed in individual(s) with clinical features of CDLK5-related disorders (PMID: 25657822). For these reasons, this variant has been classified as Pathogenic.

Literature cited by the submitters: PubMed 22872100; PubMed 25657822.